The following is an entry in ClinVar:

NM_014806.5(RUSC2):c.3311G>A (p.Arg1104His)

Gene: RUSC2 (RUN and SH3 domain containing 2; plus strand). Cytogenetic location: 9p13.3.
Variant type: single nucleotide variant.
Coding change: c.3311G>A on transcript NM_014806.5 (MANE Select); coding-DNA position 3311, G replaced by A.
Protein change: p.Arg1104His; replaces arginine 1104 with histidine.
Molecular consequence: missense variant. On other transcripts: non-coding transcript variant (1).
Genome position (GRCh38, 1-based): chr9:35,558,537, G>A. VCF-style: chr9-35558537-G-A. GRCh37 (hg19) VCF-style: chr9-35558534-G-A.
Other names: c.3311G>A, p.Arg1104His (NM_001135999.2); c.677G>A, p.Arg226His (NM_001330740.2); short protein forms R1104H, R226H.
Identifiers: ClinVar variation 1954287 (VCV001954287.4), dbSNP rs373601054, ClinGen allele CA5044110.
Genomic context (GRCh38, chr9:35,558,537, plus strand): 5'-TCCTGCATGGCCTCTACAACAAAGTCAGCCAATTCCCAGAGCTCACCAGTCATACCATGC[G>A]CTTCAACGCCTTCATCCTCGGCCTGCTCAAGTGAGTGCACAGAGCAGCAAGATCCCCTAA-3'
Protein context (NP_055621.2, residues 1094-1114): QFPELTSHTM[Arg1104His]FNAFILGLLN

ClinVar aggregate classification (germline): Uncertain significance (1 of 4 stars; one submission).

Allele frequency attached by ClinVar (database versions not stated): ExAC 0.00002; gnomAD exomes 0.00001; ESP Exome Variant Server 0.00008; gnomAD 0.00005; TOPMed 0.00002.
gnomAD v4.1: 18 of 1,613,950 alleles (0.0011%); highest among the groups gnomAD compares: South Asian, 0.014%; no homozygotes.

Submission:

Labcorp Genetics (formerly Invitae), Labcorp
Classification: Uncertain significance. Last evaluated: 2025-11-03. Review status: criteria provided, single submitter. Criteria: Invitae Variant Classification Sherloc (09022015). Collection method: clinical testing. Allele origin: germline.
Comment: This sequence change replaces arginine, which is basic and polar, with histidine, which is basic and polar, at codon 1104 of the RUSC2 protein (p.Arg1104His). This variant is present in population databases (rs373601054, gnomAD 0.01%). This variant has not been reported in the literature in individuals affected with RUSC2-related conditions. ClinVar contains an entry for this variant (Variation ID: 1954287). An algorithm developed to predict the effect of missense changes on protein structure and function (PolyPhen-2) suggests that this variant is likely to be disruptive. In summary, the available evidence is currently insufficient to determine the role of this variant in disease. Therefore, it has been classified as a Variant of Uncertain Significance.